The following is an entry in ClinVar:

NM_005055.5(RAPSN):c.215C>T (p.Thr72Met)

Gene: RAPSN (receptor associated protein of the synapse; minus strand). Cytogenetic location: 11p11.2.
Variant type: single nucleotide variant.
Coding change: c.215C>T on transcript NM_005055.5 (MANE Select); coding-DNA position 215, C replaced by T.
Protein change: p.Thr72Met; replaces threonine 72 with methionine.
Molecular consequence: missense variant.
Genome position (GRCh38, 1-based): chr11:47,448,128, G>A on the plus strand (C>T on the coding strand, the complement: RAPSN is on the minus strand). VCF-style: chr11-47448128-G-A. GRCh37 (hg19) VCF-style: chr11-47469680-G-A.
Other names: c.215C>T, p.Thr72Met (NM_032645.5); short protein forms T72M.
Identifiers: ClinVar variation 647539 (VCV000647539.9), dbSNP rs770633491, ClinGen allele CA5976782.
Genomic context (GRCh38, chr11:47,448,128, plus strand): 5'-CTGCGTGCCAGGTTCAGGTAGCTCTCCAGGAGGAAGTCGGCATCCTCCAGCTCCCGGGCC[G>A]TGTCGATCTGGACCACAGCGAACTGCACACAGCGACGGTGGGCAGGTGGTGCTCAGCCTG-3'
Protein context (NP_005046.2, residues 62-82): MLKFAVVQID[Thr72Met]ARELEDADFL

ClinVar aggregate classification (germline): Uncertain significance. Review status: criteria provided, multiple submitters, no conflicts (2 of 4 stars). 5 submissions from 5 submitters: Uncertain significance (4). 1 of the submissions does not count toward it. Last evaluated 2025-06-09.

Conditions:
Inborn genetic diseases. Identifiers: MedGen C0950123, MeSH D030342.
Congenital myasthenic syndrome 11. Also called: Myasthenic syndrome, congenital, 11, associated with acetylcholine receptor deficiency; MYASTHENIC SYNDROME, CONGENITAL, Ie. Identifiers: Orphanet 590, MedGen C4225367, MONDO:0014588, OMIM 616326.
Fetal akinesia deformation sequence 1 (FADS1). Also called: Fetal akinesia sequence; Pena-Shokeir syndrome type I. Identifiers: Orphanet 994, MedGen C1276035, MONDO:0100101, OMIM 208150, HP:0001989.
Congenital myasthenic syndrome (CMS). Also called: Congenital Myasthenic Syndromes. Identifiers: Orphanet 590, MedGen C0751882, MeSH D020294, MONDO:0018940.
Fetal akinesia deformation sequence 2. Identifiers: MedGen C4760576, MONDO:0100102, OMIM 618388.

Allele frequency attached by ClinVar (database versions not stated): ExAC 0.00001; gnomAD exomes 0.00003; TOPMed 0.00004; gnomAD 0.00005 and 0.00006.
gnomAD v4.1: 49 of 1,612,468 alleles (0.003%); highest among the groups gnomAD compares: South Asian, 0.0055%; no homozygotes.

Submissions (5):

Revvity Omics, Revvity
Classification: Uncertain significance. Last evaluated: 2025-06-09. Review status: criteria provided, single submitter. Criteria: ACMG Guidelines, 2015. Collection method: clinical testing. Allele origin: germline.

Ambry Genetics
Classification: Uncertain significance for Inborn genetic diseases. Last evaluated: 2025-05-05. Review status: criteria provided, single submitter. Criteria: Ambry Variant Classification Scheme 2023. Collection method: clinical testing. Allele origin: germline.

Labcorp Genetics (formerly Invitae), Labcorp
Classification: Uncertain significance for Congenital myasthenic syndrome 11; Fetal akinesia deformation sequence 1. Last evaluated: 2022-06-07. Review status: criteria provided, single submitter. Criteria: Invitae Variant Classification Sherloc (09022015). Collection method: clinical testing. Allele origin: germline.
Comment: This sequence change replaces threonine, which is neutral and polar, with methionine, which is neutral and non-polar, at codon 72 of the RAPSN protein (p.Thr72Met). This variant is present in population databases (rs770633491, gnomAD 0.006%). This variant has not been reported in the literature in individuals affected with RAPSN-related conditions. ClinVar contains an entry for this variant (Variation ID: 647539). Algorithms developed to predict the effect of missense changes on protein structure and function are either unavailable or do not agree on the potential impact of this missense change (SIFT: "Deleterious"; PolyPhen-2: "Benign"; Align-GVGD: "Class C0"). In summary, the available evidence is currently insufficient to determine the role of this variant in disease. Therefore, it has been classified as a Variant of Uncertain Significance.

Fulgent Genetics
Classification: Uncertain significance for Congenital myasthenic syndrome 11; Fetal akinesia deformation sequence 2. Last evaluated: 2022-01-04. Review status: criteria provided, single submitter. Criteria: ACMG Guidelines, 2015. Collection method: clinical testing. Allele origin: unknown.

Natera, Inc.
Classification: Uncertain significance for Congenital myasthenic syndrome. Last evaluated: 2020-09-16. Review status: no assertion criteria provided. Collection method: clinical testing. Allele origin: germline. Not counted in ClinVar's aggregate classification.